The following is an entry in ClinVar:

ClinVar aggregate classification (germline): Uncertain significance (1 of 4 stars; one submission).

Conditions:
Joubert syndrome. Also called: Familial aplasia of the vermis; CEREBELLOPARENCHYMAL DISORDER IV; JOUBERT-BOLTSHAUSER SYNDROME. Identifiers: Orphanet 475, MedGen C5979921, MONDO:0018772.
Meckel-Gruber syndrome. Also called: Dysencephalia splachnocystica; DYSENCEPHALIA SPLANCHNOCYSTICA; GRUBER SYNDROME. Identifiers: Orphanet 564, MedGen C0265215, MONDO:0018921.
Nephronophthisis. Also called: Juvenile Nephronophthisis. Identifiers: Orphanet 655, MedGen C0687120, MONDO:0019005, HP:0000090.

Submission:

Labcorp Genetics (formerly Invitae), Labcorp
Classification: Uncertain significance for Joubert syndrome; Meckel-Gruber syndrome; Nephronophthisis. Last evaluated: 2022-08-16. Review status: criteria provided, single submitter. Criteria: Invitae Variant Classification Sherloc (09022015). Collection method: clinical testing. Allele origin: germline.
Comment: This variant is not present in population databases (gnomAD no frequency). In summary, the available evidence is currently insufficient to determine the role of this variant in disease. Therefore, it has been classified as a Variant of Uncertain Significance. Algorithms developed to predict the effect of missense changes on protein structure and function are either unavailable or do not agree on the potential impact of this missense change (SIFT: "Deleterious"; PolyPhen-2: "Benign"; Align-GVGD: "Class C0"). ClinVar contains an entry for this variant (Variation ID: 1045712). This variant has not been reported in the literature in individuals affected with CEP290-related conditions. This sequence change replaces valine, which is neutral and non-polar, with glycine, which is neutral and non-polar, at codon 759 of the CEP290 protein (p.Val759Gly).

NM_025114.4(CEP290):c.2276T>G (p.Val759Gly)

Gene: CEP290 (centrosomal protein 290; minus strand). Cytogenetic location: 12q21.32.
Variant type: single nucleotide variant.
Coding change: c.2276T>G on transcript NM_025114.4 (MANE Select); coding-DNA position 2276, T replaced by G.
Protein change: p.Val759Gly; replaces valine 759 with glycine.
Molecular consequence: missense variant.
Genome position (GRCh38, 1-based): chr12:88,111,293, A>C on the plus strand (T>G on the coding strand, the complement: CEP290 is on the minus strand). VCF-style: chr12-88111293-A-C. GRCh37 (hg19) VCF-style: chr12-88505070-A-C.
Other names: short protein forms V759G.
Identifiers: ClinVar variation 1045712 (VCV001045712.12), dbSNP rs2038671061, ClinGen allele CA385974627.